The following is an entry in ClinVar:

NM_000092.5(COL4A4):c.193G>C (p.Gly65Arg)

Gene: COL4A4 (collagen type IV alpha 4 chain; minus strand). Cytogenetic location: 2q36.3.
Variant type: single nucleotide variant.
Coding change: c.193G>C on transcript NM_000092.5 (MANE Select); coding-DNA position 193, G replaced by C.
Protein change: p.Gly65Arg; replaces glycine 65 with arginine.
Molecular consequence: missense variant.
Genome position (GRCh38, 1-based): chr2:227,121,148, C>G on the plus strand (G>C on the coding strand, the complement: COL4A4 is on the minus strand). VCF-style: chr2-227121148-C-G. GRCh37 (hg19) VCF-style: chr2-227985864-C-G.
Other names: short protein forms G65R.
Identifiers: ClinVar variation 3256623 (VCV003256623.2).
Genomic context (GRCh38, chr2:227,121,148, plus strand): 5'-TGGGTCCTGGGGCTCCCAGGGGTCCAATTGGACCCTGTGGCCCTGGTGGTCCTGGTGGAC[C>G]CTGAGAAGGAAGATTAAAAAGAAATGGGGGTGCAATTCTTAATTACTGTCTTCTAACACA-3'
Protein context (NP_000083.3, residues 55-75): CHCVPEKGSR[Gly65Arg]PPGPPGPQGP

ClinVar aggregate classification (germline): Likely pathogenic. Review status: criteria provided, multiple submitters, no conflicts (2 of 4 stars). 2 submissions from 2 submitters: Likely pathogenic (2). Last evaluated 2024-04-04.

Conditions:
Autosomal recessive Alport syndrome (ATS2). Also called: COL4A3-Related Nephropathy; ALPORT SYNDROME 2, AUTOSOMAL RECESSIVE; COL4A4 Alport Syndrome and Thin Basement Membrane Nephropathy; Alport syndrome type 2. Identifiers: Orphanet 63, Orphanet 88919, MedGen C4746745, MONDO:0008762, OMIM 203780.
COL4A4-related disorder.

Submissions (2):

MVZ Medizinische Genetik Mainz
Classification: Likely pathogenic for Autosomal recessive Alport syndrome. Last evaluated: 2024-04-04. Review status: criteria provided, single submitter. Criteria: UK Practice Guidelines For Variant Classification V4 01 2020. Collection method: clinical testing. Allele origin: germline. Inheritance: Autosomal dominant inheritance. Affected: yes. Observed: 1 variant allele.
Comment: ACMG Criteria: PM1_STR,PM5,PM2_SUP,PP3,PP4

Blueprint Genetics
Classification: Likely pathogenic for COL4A4-related disorders. Last evaluated: 2024-02-02. Review status: criteria provided, single submitter. Criteria: ACMG Guidelines, 2015. Collection method: clinical testing. Allele origin: germline. Affected: yes. Observed: 1 variant allele.